The following is an entry in ClinVar:

NM_001164277.2(SLC37A4):c.472A>G (p.Ile158Val)

Gene: SLC37A4 (solute carrier family 37 member 4; minus strand). Cytogenetic location: 11q23.3.
Variant type: single nucleotide variant.
Coding change: c.472A>G on transcript NM_001164277.2 (MANE Select); coding-DNA position 472, A replaced by G.
Protein change: p.Ile158Val; replaces isoleucine 158 with valine.
Molecular consequence: missense variant.
Genome position (GRCh38, 1-based): chr11:119,027,782, T>C on the plus strand (A>G on the coding strand, the complement: SLC37A4 is on the minus strand). VCF-style: chr11-119027782-T-C. GRCh37 (hg19) VCF-style: chr11-118898492-T-C.
Other names: c.472A>G, p.Ile158Val (NM_001164278.2, NM_001164280.2, NM_001467.6); c.253A>G, p.Ile85Val (NM_001164279.2); short protein forms I158V, I85V.
Identifiers: ClinVar variation 3716548 (VCV003716548.1).
Genomic context (GRCh38, chr11:119,027,782, plus strand): 5'-CACACCACAGTGCCCCAGATAGGGCCAGCGTGCTGCGCCAGCTGTAGCTCTGGGCAAGGA[T>C]GGTTGCCAGGATAGGGCCCAGCCCTCCAGCCAGGTTCATGCTGGTTGACAGGATGGCCCA-3'
Protein context (NP_001157749.1, residues 148-168): AGGLGPILAT[Ile158Val]LAQSYSWRST

ClinVar aggregate classification (germline): Uncertain significance (1 of 4 stars; one submission).

Conditions:
Glucose-6-phosphate transport defect (GSD1B). Also called: Glycogen Storage Disease Type Ib; GSD Ib. Identifiers: Orphanet 364, Orphanet 79259, MedGen C0268146, MONDO:0009288, OMIM 232220.

Submission:

Labcorp Genetics (formerly Invitae), Labcorp
Classification: Uncertain significance for Glucose-6-phosphate transport defect. Last evaluated: 2024-11-19. Review status: criteria provided, single submitter. Criteria: Invitae Variant Classification Sherloc (09022015). Collection method: clinical testing. Allele origin: germline.
Comment: This sequence change replaces isoleucine, which is neutral and non-polar, with valine, which is neutral and non-polar, at codon 158 of the SLC37A4 protein (p.Ile158Val). This variant is present in population databases (rs771920405, gnomAD 0.0009%). This variant has not been reported in the literature in individuals affected with SLC37A4-related conditions. Invitae Evidence Modeling of protein sequence and biophysical properties (such as structural, functional, and spatial information, amino acid conservation, physicochemical variation, residue mobility, and thermodynamic stability) indicates that this missense variant is not expected to disrupt SLC37A4 protein function with a negative predictive value of 80%. In summary, the available evidence is currently insufficient to determine the role of this variant in disease. Therefore, it has been classified as a Variant of Uncertain Significance.